The following is an entry in ClinVar:

NM_001330301.2(SAP130):c.1814_1815insTCCATCTGCCACAATTGTGGC (p.Ala605_Asn606insProSerAlaThrIleValAla)

Gene: SAP130 (Sin3A associated protein 130; minus strand). Cytogenetic location: 2q14.3.
Variant type: Insertion.
Coding change: c.1814_1815insTCCATCTGCCACAATTGTGGC on transcript NM_001330301.2 (MANE Select); coding-DNA positions 1814 to 1815, TCCATCTGCCACAATTGTGGC inserted.
Protein change: p.Ala605_Asn606insProSerAlaThrIleValAla.
Molecular consequence: inframe insertion.
Genome position: GRCh38 VCF-style: chr2-127986928-G-GGCCACAATTGTGGCAGATGGA. GRCh37 (hg19) VCF-style: chr2-128744502-G-GGCCACAATTGTGGCAGATGGA.
Other names: c.1892_1893insTCCATCTGCCACAATTGTGGC, p.Ala631_Asn632insProSerAlaThrIleValAla (NM_001145928.2, NM_024545.4); c.1811_1812insTCCATCTGCCACAATTGTGGC, p.Ala604_Asn605insProSerAlaThrIleValAla (NM_001330299.2, NM_001330300.2, NM_001330302.2); c.1814_1815insTCCATCTGCCACAATTGTGGC, p.Ala605_Asn606insProSerAlaThrIleValAla (NM_001330303.2).
Identifiers: ClinVar variation 2651344 (VCV002651344.24), dbSNP rs2467842411, ClinGen allele CA2695197012.

ClinVar aggregate classification (germline): Uncertain significance (1 of 4 stars; one submission).

Submission:

CeGaT Center for Human Genetics Tuebingen
Classification: Uncertain significance. Last evaluated: 2022-08-01. Review status: criteria provided, single submitter. Criteria: CeGaT Center For Human Genetics Tuebingen Variant Classification Criteria Version 2. Collection method: clinical testing. Allele origin: germline. Affected: yes. Observed: 1 variant allele.
Comment: SAP130: PM2